The following is an entry in ClinVar:

ClinVar aggregate classification (germline): Benign. Review status: criteria provided, multiple submitters, no conflicts (2 of 4 stars). 8 submissions from 8 submitters: Benign (5). 3 of the submissions do not count toward it. Last evaluated 2026-02-04.

Conditions:
Aromatase excess syndrome (AEXS). Also called: AROMATASE ACTIVITY, INCREASED; GYNECOMASTIA, HEREDITARY; Familial gynecomastia, due to increased aromatase activity. Identifiers: Orphanet 178345, MedGen C1970109, MONDO:0007690, OMIM 139300.
Aromatase deficiency. Also called: Increased aromatase activity; PSEUDOHERMAPHRODITISM, FEMALE, DUE TO PLACENTAL AROMATASE DEFICIENCY. Identifiers: Orphanet 91, MedGen C1960539, MONDO:0013301, OMIM 613546.

Allele frequency attached by ClinVar (database versions not stated): 1000 Genomes Project 30x 0.32214; 1000 Genomes Project 0.32588; TOPMed 0.37975; gnomAD 0.39685 and 0.39802; ESP Exome Variant Server 0.40461; ExAC 0.42527; gnomAD exomes 0.42608 and 0.48080.
gnomAD v4.1: 761,897 of 1,613,856 alleles (47%); highest among the groups gnomAD compares: Non-Finnish European, 51%; 186,049 homozygotes.

Submissions (8):

Labcorp Genetics (formerly Invitae), Labcorp
Classification: Benign. Last evaluated: 2026-02-04. Review status: criteria provided, single submitter. Criteria: Invitae Variant Classification Sherloc (09022015). Collection method: clinical testing. Allele origin: germline.

Genome-Nilou Lab
Classification: Benign for Aromatase excess syndrome. Last evaluated: 2021-07-01. Review status: criteria provided, single submitter. Criteria: ACMG Guidelines, 2015. Collection method: clinical testing. Allele origin: germline. Affected: no.

Illumina Laboratory Services, Illumina
Classification: Benign for Aromatase deficiency. Last evaluated: 2018-03-06. Review status: criteria provided, single submitter. Criteria: ICSL Variant Classification Criteria 13 December 2019. Collection method: clinical testing. Allele origin: germline.
Comment: This variant was observed in the ICSL laboratory as part of a predisposition screen in an ostensibly healthy population. It had not been previously curated by ICSL or reported in the Human Gene Mutation Database (HGMD: prior to June 1st, 2018), and was therefore a candidate for classification through an automated scoring system. Utilizing variant allele frequency, disease prevalence and penetrance estimates, and inheritance mode, an automated score was calculated to assess if this variant is too frequent to cause the disease. Based on the score and internal cut-off values, a variant classified as benign is not then subjected to further curation. The score for this variant resulted in a classification of benign for this disease.

GeneDx
Classification: Benign. Last evaluated: 2015-03-03. Review status: criteria provided, single submitter. Criteria: GeneDx Variant Classification Process June 2021. Collection method: clinical testing. Allele origin: germline. Affected: yes.
Comment: This variant is associated with the following publications: (PMID: 19419293, 20981092, 16418790)

Breakthrough Genomics
Classification: Benign. Review status: criteria provided, single submitter. Criteria: ACMG Guidelines, 2015. Collection method: not provided. Allele origin: germline. Inheritance: Unknown mechanism. Affected: yes.

Natera, Inc.
Classification: Benign for Aromatase deficiency. Last evaluated: 2019-11-19. Review status: no assertion criteria provided. Collection method: clinical testing. Allele origin: germline. Not counted in ClinVar's aggregate classification.

Diagnostic Laboratory, Department of Genetics, University Medical Center Groningen
Classification: Benign. Review status: no assertion criteria provided. Collection method: clinical testing. Allele origin: germline. Affected: yes. Study: VKGL Data-share Consensus. Not counted in ClinVar's aggregate classification.

Joint Genome Diagnostic Labs from Nijmegen and Maastricht, Radboudumc and MUMC+
Classification: Benign. Review status: no assertion criteria provided. Collection method: clinical testing. Allele origin: germline. Affected: yes. Study: VKGL Data-share Consensus. Not counted in ClinVar's aggregate classification.

NM_000103.4(CYP19A1):c.240A>G (p.Val80=)

Genes: PIRC66 (piwi-interacting RNA cluster 66; plus strand), MIR4713HG (MIR4713 host gene; plus strand), CYP19A1 (cytochrome P450 family 19 subfamily A member 1; minus strand). Cytogenetic location: 15q21.2.
Variant type: single nucleotide variant.
Coding change: c.240A>G on transcript NM_000103.4 (MANE Select); coding-DNA position 240, A replaced by G.
Protein change: p.Val80=; no amino-acid change (valine 80 retained).
Molecular consequence: synonymous variant.
Genome position (GRCh38, 1-based): chr15:51,236,915, T>C on the plus strand (A>G on the coding strand, the complement: CYP19A1 is on the minus strand). VCF-style: chr15-51236915-T-C. GRCh37 (hg19) VCF-style: chr15-51529112-T-C.
Other names: c.240A>G, p.Val80= (NM_001347248.1, NM_001347249.2, NM_001347250.2 and 7 more transcripts).
Identifiers: ClinVar variation 316477 (VCV000316477.25), dbSNP rs700518, ClinGen allele CA7560128.
Genomic context (GRCh38, chr15:51,236,915, plus strand): 5'-TCACTTGCTGATAATGAGTGTTTCCTCTCCAGAGATCCAGACTCGCATGAATTCTCCATA[T>C]ACCCGGTTGTAGTAGTTGCAGGCACTGCCGATCCCCATCCACAGGAATCTGCCGTGGGAG-3'
Protein context (NP_000094.2, residues 70-90): IGSACNYYNR[Val80=]YGEFMRVWIS